The following is an entry in ClinVar:

ClinVar aggregate classification (germline): Likely benign. Review status: criteria provided, multiple submitters, no conflicts (2 of 4 stars). 3 submissions from 3 submitters: Likely benign (3). Last evaluated 2026-01-24.

Conditions:
Cardiovascular phenotype. Identifiers: MedGen CN230736.
Alstrom syndrome (ALMS). Identifiers: Orphanet 64, MedGen C0268425, MONDO:0008763, OMIM 203800.

Allele frequency attached by ClinVar (database versions not stated): TOPMed below 0.00001; ExAC 0.00002; gnomAD exomes 0.00002.
gnomAD v4.1: 13 of 1,614,168 alleles (0.00081%); highest among the groups gnomAD compares: East Asian, 0.029%; no homozygotes.

Submissions (3):

Labcorp Genetics (formerly Invitae), Labcorp
Classification: Likely benign for Alstrom syndrome. Last evaluated: 2026-01-24. Review status: criteria provided, single submitter. Criteria: Invitae Variant Classification Sherloc (09022015). Collection method: clinical testing. Allele origin: germline.

Ambry Genetics
Classification: Likely benign for Cardiovascular phenotype. Last evaluated: 2025-06-01. Review status: criteria provided, single submitter. Criteria: Ambry Variant Classification Scheme 2023. Collection method: clinical testing. Allele origin: germline.

Laboratory for Molecular Medicine, Mass General Brigham Personalized Medicine
Classification: Likely benign. Last evaluated: 2017-08-23. Review status: criteria provided, single submitter. Criteria: LMM Criteria. Collection method: clinical testing. Allele origin: germline. Observed: 1 variant allele.
Comment: p.Ala3107Ala in exon 10 of ALMS1: This variant is not expected to have clinical significance because it does not alter an amino acid residue and is not located within the splice consensus sequence. It has been identified in 0.02% (2/8624) of East Asian chromosomes by the Exome Aggregation Consortium (ExAC; dbSNP rs747570402).

NM_001378454.1(ALMS1):c.9324A>G (p.Ala3108=)

Gene: ALMS1 (ALMS1 centrosome and basal body associated protein; plus strand). Cytogenetic location: 2p13.1.
Variant type: single nucleotide variant.
Coding change: c.9324A>G on transcript NM_001378454.1 (MANE Select); coding-DNA position 9324, A replaced by G.
Protein change: p.Ala3108=; no amino-acid change (alanine 3108 retained).
Molecular consequence: synonymous variant.
Genome position (GRCh38, 1-based): chr2:73,491,283, A>G. VCF-style: chr2-73491283-A-G. GRCh37 (hg19) VCF-style: chr2-73718410-A-G.
Other names: c.9327A>G, p.Ala3109= (NM_015120.4).
Identifiers: ClinVar variation 929961 (VCV000929961.12), dbSNP rs747570402, ClinGen allele CA1714635.
Genomic context (GRCh38, chr2:73,491,283, plus strand): 5'-TACTGTATCTTCGAGATCACTGGAACCAACCTCCAAATTATTGACCAGTAAACCTGTAGC[A>G]CAGGATCAAGAATCTTTAGGTTTTCTAGGACCTAAATCTTCACTGGATTTCCAAGTCGTA-3'
Protein context (NP_001365383.1, residues 3098-3118): TSKLLTSKPV[Ala3108=]QDQESLGFLG